The following is an entry in ClinVar:

NM_004260.4(RECQL4):c.1250C>T (p.Pro417Leu)

Gene: RECQL4 (RecQ like helicase 4; minus strand). Cytogenetic location: 8q24.3.
Variant type: single nucleotide variant.
Coding change: c.1250C>T on transcript NM_004260.4 (MANE Select); coding-DNA position 1250, C replaced by T.
Protein change: p.Pro417Leu; replaces proline 417 with leucine.
Molecular consequence: missense variant.
Genome position (GRCh38, 1-based): chr8:144,515,772, G>A on the plus strand (C>T on the coding strand, the complement: RECQL4 is on the minus strand). VCF-style: chr8-144515772-G-A. GRCh37 (hg19) VCF-style: chr8-145741156-G-A.
Other names: c.1250C>T (NM_004260.3); short protein forms P417L.
Identifiers: ClinVar variation 1062625 (VCV001062625.6), dbSNP rs1258987986, ClinGen allele CA372687233.

ClinVar aggregate classification (germline): Uncertain significance. Review status: criteria provided, multiple submitters, no conflicts (2 of 4 stars). 2 submissions from 2 submitters: Uncertain significance (2). Last evaluated 2024-11-28.

Conditions:
Inborn genetic diseases. Identifiers: MedGen C0950123, MeSH D030342.
Baller-Gerold syndrome (BGS). Also called: CRANIOSYNOSTOSIS WITH RADIAL DEFECTS. Identifiers: Orphanet 1225, MedGen C0265308, MONDO:0009039, OMIM 218600.

Allele frequency attached by ClinVar (database versions not stated): gnomAD exomes below 0.00001; gnomAD 0.00001; TOPMed 0.00001.

Submissions (2):

Ambry Genetics
Classification: Uncertain significance for Inborn genetic diseases. Last evaluated: 2024-11-28. Review status: criteria provided, single submitter. Criteria: Ambry Variant Classification Scheme 2023. Collection method: clinical testing. Allele origin: germline.
Comment: The p.P417L variant (also known as c.1250C>T), located in coding exon 6 of the RECQL4 gene, results from a C to T substitution at nucleotide position 1250. The proline at codon 417 is replaced by leucine, an amino acid with similar properties. This amino acid position is conserved. In addition, this alteration is predicted to be tolerated by in silico analysis. Based on the available evidence, the clinical significance of this variant remains unclear.

Labcorp Genetics (formerly Invitae), Labcorp
Classification: Uncertain significance for Baller-Gerold syndrome. Last evaluated: 2023-09-21. Review status: criteria provided, single submitter. Criteria: Invitae Variant Classification Sherloc (09022015). Collection method: clinical testing. Allele origin: germline.
Comment: Advanced modeling of protein sequence and biophysical properties (such as structural, functional, and spatial information, amino acid conservation, physicochemical variation, residue mobility, and thermodynamic stability) performed at Invitae indicates that this missense variant is not expected to disrupt RECQL4 protein function. In summary, the available evidence is currently insufficient to determine the role of this variant in disease. Therefore, it has been classified as a Variant of Uncertain Significance. ClinVar contains an entry for this variant (Variation ID: 1062625). This variant has not been reported in the literature in individuals affected with RECQL4-related conditions. This variant is present in population databases (no rsID available, gnomAD 0.008%). This sequence change replaces proline, which is neutral and non-polar, with leucine, which is neutral and non-polar, at codon 417 of the RECQL4 protein (p.Pro417Leu).